The following is an entry in ClinVar:

NM_031935.3(HMCN1):c.4576A>T (p.Thr1526Ser)

Gene: HMCN1 (hemicentin 1; plus strand). Cytogenetic location: 1q31.1.
Variant type: single nucleotide variant.
Coding change: c.4576A>T on transcript NM_031935.3 (MANE Select); coding-DNA position 4576, A replaced by T.
Protein change: p.Thr1526Ser; replaces threonine 1526 with serine.
Molecular consequence: missense variant.
Genome position (GRCh38, 1-based): chr1:186,007,228, A>T. VCF-style: chr1-186007228-A-T. GRCh37 (hg19) VCF-style: chr1-185976360-A-T.
Other names: short protein forms T1526S.
Identifiers: ClinVar variation 2854073 (VCV002854073.3), dbSNP rs772513183, ClinGen allele CA343881350.
Genomic context (GRCh38, chr1:186,007,228, plus strand): 5'-AGAGGACAAGTCTTACATTTAAAGAATGCACGGAGAAATGACAAGGGGCGCTACCAATGT[A>T]CTGTGTCTAATGCAGCTGGCAAACAAGCCAAGGATATAAAACTGACTATCTATAGTAAGT-3'
Protein context (NP_114141.2, residues 1516-1536): RRNDKGRYQC[Thr1526Ser]VSNAAGKQAK

ClinVar aggregate classification (germline): Uncertain significance (1 of 4 stars; one submission).

Submission:

Labcorp Genetics (formerly Invitae), Labcorp
Classification: Uncertain significance. Last evaluated: 2023-04-09. Review status: criteria provided, single submitter. Criteria: Invitae Variant Classification Sherloc (09022015). Collection method: clinical testing. Allele origin: germline.
Comment: In summary, the available evidence is currently insufficient to determine the role of this variant in disease. Therefore, it has been classified as a Variant of Uncertain Significance. Algorithms developed to predict the effect of missense changes on protein structure and function output the following: SIFT: "Not Available"; PolyPhen-2: "Benign"; Align-GVGD: "Not Available". The serine amino acid residue is found in multiple mammalian species, which suggests that this missense change does not adversely affect protein function. This variant has not been reported in the literature in individuals affected with HMCN1-related conditions. This variant is not present in population databases (gnomAD no frequency). This sequence change replaces threonine, which is neutral and polar, with serine, which is neutral and polar, at codon 1526 of the HMCN1 protein (p.Thr1526Ser).